The following is an entry in ClinVar:

ClinVar aggregate classification (germline): Uncertain significance (1 of 4 stars; one submission).

Conditions:
Pseudo-Hurler polydystrophy. Also called: MUCOLIPIDOSIS IIIA; ML III; ML III ALPHA/BETA; Type III Mucolipidosis; ML IIIA; Mucolipidosis III Alpha/Beta. Identifiers: Orphanet 423461, Orphanet 577, MedGen C0033788, MONDO:0018931, OMIM 252600.
Mucolipidosis type II. Also called: Mucolipidosis II Alpha/Beta; ML II ALPHA/BETA; Mucolipidosis 2; ML 2; Inclusion cell disease; Leroy Disease. Identifiers: Orphanet 576, MedGen C2673377, MONDO:0009650, OMIM 252500.

Submission:

Labcorp Genetics (formerly Invitae), Labcorp
Classification: Uncertain significance for Pseudo-Hurler polydystrophy; Mucolipidosis type II. Last evaluated: 2022-07-09. Review status: criteria provided, single submitter. Criteria: Invitae Variant Classification Sherloc (09022015). Collection method: clinical testing. Allele origin: germline.
Comment: This sequence change falls in intron 18 of the GNPTAB gene. It does not directly change the encoded amino acid sequence of the GNPTAB protein. It affects a nucleotide within the consensus splice site. This variant is not present in population databases (gnomAD no frequency). This variant has not been reported in the literature in individuals affected with GNPTAB-related conditions. Variants that disrupt the consensus splice site are a relatively common cause of aberrant splicing (PMID: 17576681, 9536098). Algorithms developed to predict the effect of sequence changes on RNA splicing suggest that this variant is not likely to affect RNA splicing. In summary, the available evidence is currently insufficient to determine the role of this variant in disease. Therefore, it has been classified as a Variant of Uncertain Significance.

Literature cited by the submitters: PubMed 17576681; PubMed 9536098.

NM_024312.5(GNPTAB):c.3434+6G>C

Gene: GNPTAB (N-acetylglucosamine-1-phosphate transferase subunits alpha and beta; minus strand). Cytogenetic location: 12q23.2.
Variant type: single nucleotide variant.
Coding change: c.3434+6G>C on transcript NM_024312.5 (MANE Select); 6 bases into the intron after coding-DNA position 3434, G replaced by C.
Molecular consequence: intron variant.
Genome position (GRCh38, 1-based): chr12:101,757,206, C>G on the plus strand (G>C on the coding strand, the complement: GNPTAB is on the minus strand). VCF-style: chr12-101757206-C-G. GRCh37 (hg19) VCF-style: chr12-102150984-C-G.
Identifiers: ClinVar variation 1967012 (VCV001967012.2), dbSNP rs2547951327, ClinGen allele CA2580085634.